The following is an entry in ClinVar:

ClinVar aggregate classification (germline): Uncertain significance (1 of 4 stars; one submission).

Allele frequency attached by ClinVar (database versions not stated): ExAC 0.00096; ESP Exome Variant Server 0.00123; gnomAD 0.00148; 1000 Genomes Project 30x 0.00156; 1000 Genomes Project 0.00160; gnomAD exomes 0.00166; TOPMed 0.00207.
gnomAD v4.1: 2,709 of 1,613,896 alleles (0.17%); highest among the groups gnomAD compares: Admixed American, 0.25%; 4 homozygotes.

Submissions (7):

Labcorp Genetics (formerly Invitae), Labcorp
Classification: Uncertain significance. Last evaluated: 2022-03-15. Review status: criteria provided, single submitter. Criteria: Invitae Variant Classification Sherloc (09022015). Collection method: clinical testing. Allele origin: germline.
Comment: This sequence change affects a donor splice site in intron 14 of the CAPN9 gene. It is expected to disrupt RNA splicing. Variants that disrupt the donor or acceptor splice site typically lead to a loss of protein function (PMID: 16199547), however the current clinical and genetic evidence is not sufficient to establish whether loss-of-function variants in CAPN9 cause disease. This variant is present in population databases (rs143145032, gnomAD 0.2%), and has an allele count higher than expected for a pathogenic variant. Algorithms developed to predict the effect of sequence changes on RNA splicing suggest that this variant may disrupt the consensus splice site. In summary, the available evidence is currently insufficient to determine the role of this variant in disease. Therefore, it has been classified as a Variant of Uncertain Significance.

Dr. Peter K. Rogan Lab, Western University
No classification provided (evidence only). Condition: Malignant tumor of urinary bladder. Review status: no classification provided. Collection method: in vitro. Allele origin: not applicable. Functional consequence: retained intron. Not counted in ClinVar's aggregate classification.

Dr. Peter K. Rogan Lab, Western University
No classification provided (evidence only). Condition: Malignant tumor of urinary bladder. Review status: no classification provided. Collection method: in vitro. Allele origin: not applicable. Functional consequence: retained intron. Not counted in ClinVar's aggregate classification.

Dr. Peter K. Rogan Lab, Western University
No classification provided (evidence only). Condition: Clear cell carcinoma of kidney. Review status: no classification provided. Collection method: in vitro. Allele origin: not applicable. Functional consequence: retained intron. Not counted in ClinVar's aggregate classification.

Dr. Peter K. Rogan Lab, Western University
No classification provided (evidence only). Condition: Melanoma. Review status: no classification provided. Collection method: in vitro. Allele origin: not applicable. Functional consequence: retained intron. Not counted in ClinVar's aggregate classification.

Dr. Peter K. Rogan Lab, Western University
No classification provided (evidence only). Condition: Gastric cancer. Review status: no classification provided. Collection method: in vitro. Allele origin: not applicable. Functional consequence: retained intron. Not counted in ClinVar's aggregate classification.

Dr. Peter K. Rogan Lab, Western University
No classification provided (evidence only). Condition: Chronic lymphocytic leukemia/small lymphocytic lymphoma. Review status: no classification provided. Collection method: in vitro. Allele origin: not applicable. Functional consequence: retained intron. Not counted in ClinVar's aggregate classification.

Literature cited by the submitters: PubMed 16199547 (cited by Labcorp Genetics (formerly Invitae), Labcorp).

NM_006615.3(CAPN9):c.1657+2T>G

Gene: CAPN9 (calpain 9; plus strand). Cytogenetic location: 1q42.2.
Variant type: single nucleotide variant.
Coding change: c.1657+2T>G on transcript NM_006615.3 (MANE Select); the canonical splice donor site of the intron after coding-DNA position 1657, T replaced by G.
Molecular consequence: splice donor variant.
Genome position (GRCh38, 1-based): chr1:230,790,191, T>G. VCF-style: chr1-230790191-T-G. GRCh37 (hg19) VCF-style: chr1-230925937-T-G.
Other names: c.1579+2T>G (NM_016452.3); c.1468+2T>G (NM_001319676.2).
Identifiers: ClinVar variation 2050937 (VCV002050937.2), dbSNP rs143145032, ClinGen allele CA1449078.
Genomic context (GRCh38, chr1:230,790,191, plus strand): 5'-GGACATGGAGGTGACAGCAGAGGAACTTGAGTATGTTTTAAATGCTGTGCTGCAAAAGAG[T>G]AAGTGCCAACCCCATCGGGGTCCTGGGGCACCTATGGAGGGACAAGCGACCACACTGCCT-3'